The following is an entry in ClinVar:

ClinVar aggregate classification (germline): Conflicting classifications of pathogenicity. Review status: criteria provided, conflicting classifications (1 of 4 stars). 2 submissions from 2 submitters: Uncertain significance (1); Likely benign (1). Last evaluated 2025-11-02.

Conditions:
Ataxia-telangiectasia syndrome (AT). Also called: Ataxia telangiectasia (A-T); ATAXIA-TELANGIECTASIA, COMPLEMENTATION GROUP A; ATAXIA-TELANGIECTASIA, FRESNO VARIANT; Ataxia-telangiectasia; Ataxia-telangiectasia, complementation group E; LOUIS-BAR SYNDROME. Identifiers: Orphanet 100, MedGen C0004135, MONDO:0008840, OMIM 208900.
Hereditary cancer-predisposing syndrome. Also called: Neoplastic Syndromes, Hereditary; Tumor predisposition; Hereditary Cancer Syndrome; Hereditary neoplastic syndrome. Identifiers: Orphanet 140162, MedGen C0027672, MeSH D009386, MONDO:0015356.

Submissions (2):

Labcorp Genetics (formerly Invitae), Labcorp
Classification: Uncertain significance for Ataxia-telangiectasia syndrome. Last evaluated: 2025-11-02. Review status: criteria provided, single submitter. Criteria: Invitae Variant Classification Sherloc (09022015). Collection method: clinical testing. Allele origin: germline.
Comment: This sequence change replaces alanine, which is neutral and non-polar, with threonine, which is neutral and polar, at codon 2622 of the ATM protein (p.Ala2622Thr). This variant is not present in population databases (gnomAD no frequency). This variant has not been reported in the literature in individuals affected with ATM-related conditions. ClinVar contains an entry for this variant (Variation ID: 1059998). Invitae Evidence Modeling of protein sequence and biophysical properties (such as structural, functional, and spatial information, amino acid conservation, physicochemical variation, residue mobility, and thermodynamic stability) indicates that this missense variant is not expected to disrupt ATM protein function with a negative predictive value of 95%. In summary, the available evidence is currently insufficient to determine the role of this variant in disease. Therefore, it has been classified as a Variant of Uncertain Significance.

Ambry Genetics
Classification: Likely benign for Hereditary cancer-predisposing syndrome. Last evaluated: 2025-02-13. Review status: criteria provided, single submitter. Criteria: Ambry Variant Classification Scheme 2023. Collection method: clinical testing. Allele origin: germline.

NM_000051.4(ATM):c.7864G>A (p.Ala2622Thr)

Genes: ATM (ATM serine/threonine kinase; plus strand), C11orf65 (chromosome 11 open reading frame 65; minus strand). Cytogenetic location: 11q22.3.
Variant type: single nucleotide variant.
Coding change: c.7864G>A on transcript NM_000051.4 (MANE Select); coding-DNA position 7864, G replaced by A.
Protein change: p.Ala2622Thr; replaces alanine 2622 with threonine.
Molecular consequence: missense variant. On other transcripts: intron variant (2).
Genome position (GRCh38, 1-based): chr11:108,332,837, G>A. VCF-style: chr11-108332837-G-A. GRCh37 (hg19) VCF-style: chr11-108203564-G-A.
Other names: c.7864G>A, p.Ala2622Thr (NM_001351834.2); c.641-23766C>T (NM_001330368.2); c.*38+2383C>T (NM_001351110.2); short protein forms A2622T.
Identifiers: ClinVar variation 1059998 (VCV001059998.9), dbSNP rs2136567791, ClinGen allele CA382561399.